The following is an entry in ClinVar:

ClinVar aggregate classification (germline): Likely pathogenic. Review status: criteria provided, multiple submitters, no conflicts (2 of 4 stars). 3 submissions from 3 submitters: Likely pathogenic (3). Last evaluated 2022-09-12.

Conditions:
COL2A1-related disorder. Also called: COL2A1-related condition; COL2A1-related disorders.
Platyspondylic dysplasia, Torrance type (PLSDT). Identifiers: Orphanet 85166, MedGen C1835437, MONDO:0007895, OMIM 151210.

Submissions (3):

PreventionGenetics, part of Exact Sciences
Classification: Likely pathogenic for COL2A1-related condition. Last evaluated: 2022-09-12. Review status: criteria provided, single submitter. Criteria: ACMG Guidelines, 2015. Collection method: clinical testing. Allele origin: germline.
Comment: The COL2A1 c.3491G>A variant is predicted to result in the amino acid substitution p.Gly1164Asp. To our knowledge, this variant has not been reported in the literature or in a large population database, indicating this variant is rare. The p.Gly1164Asp variant affects a Gly residue of the conserved triple helical domain, where substitutions of the glycine are usually pathogenic (Barat-Houari et al. 2016. PubMed ID: 26626311). In addition, different variants affecting the same amino acid was reported as pathogenic (Terhal et al. 2012. PubMed ID: 22791362; Carss et al. 2014. PubMed ID: 24476948) and nearby glycine substitutions have been reported to be pathogenic (Human Gene Mutation Database). Taken together, we interpret this variant as likely pathogenic.

Labcorp Genetics (formerly Invitae), Labcorp
Classification: Likely pathogenic. Last evaluated: 2022-05-03. Review status: criteria provided, single submitter. Criteria: Invitae Variant Classification Sherloc (09022015). Collection method: clinical testing. Allele origin: germline.
Comment: Algorithms developed to predict the effect of missense changes on protein structure and function are either unavailable or do not agree on the potential impact of this missense change (SIFT: "Deleterious"; PolyPhen-2: "Not Available"; Align-GVGD: "Class C65"). ClinVar contains an entry for this variant (Variation ID: 1333360). This missense change has been observed in individual(s) with autosomal dominant spondyloepimetaphyseal dysplasia, Strudwick type (Invitae). This variant is not present in population databases (gnomAD no frequency). This sequence change replaces glycine, which is neutral and non-polar, with aspartic acid, which is acidic and polar, at codon 1164 of the COL2A1 protein (p.Gly1164Asp). In summary, the currently available evidence indicates that the variant is pathogenic, but additional data are needed to prove that conclusively. Therefore, this variant has been classified as Likely Pathogenic. This variant disrupts the p.Gly1164 amino acid residue in COL2A1. Other variant(s) that disrupt this residue have been observed in individuals with COL2A1-related conditions (PMID: 22791362), which suggests that this may be a clinically significant amino acid residue. This variant disrupts the triple helix domain of COL2A1. Glycine residues within the Gly-Xaa-Yaa repeats of the triple helix domain are required for the structure and stability of fibrillar collagens (PMID: 7695699, 8218237, 19344236). In COL2A1, variants affecting these glycine residues are significantly enriched in individuals with disease (PMID: 9016532, 17078022) compared to the general population (ExAC).

3billion
Classification: Likely pathogenic for Platyspondylic dysplasia, Torrance type. Last evaluated: 2022-01-03. Review status: criteria provided, single submitter. Criteria: ACMG Guidelines, 2015. Collection method: clinical testing. Allele origin: germline. Affected: yes. Observed: 1 heterozygote.
Comment: A different missense change at the same codon has been reported as pathogenic/likely pathogenic with strong evidence (ClinVar ID: VCV001070315, PM5_M). In silico tool predictions suggest damaging effect of the variant on gene or gene product (REVEL: 0.978, 3CNET: 0.977, PP3_P). A missense variant is a common mechanism associated with Platyspondylic skeletal dysplasia (PP2_P). It is observed at an extremely low frequency in the gnomAD v2.1.1 dataset (total allele frequency: 0.000000, PM2_M). Therefore, this variant is classified as likely pathogenic according to the recommendation of ACMG/AMP guideline.

Literature cited by the submitters: PubMed 22791362 (cited by Labcorp Genetics (formerly Invitae), Labcorp); PubMed 7695699 (cited by Labcorp Genetics (formerly Invitae), Labcorp); PubMed 8218237 (cited by Labcorp Genetics (formerly Invitae), Labcorp); PubMed 19344236 (cited by Labcorp Genetics (formerly Invitae), Labcorp); PubMed 9016532 (cited by Labcorp Genetics (formerly Invitae), Labcorp); PubMed 17078022 (cited by Labcorp Genetics (formerly Invitae), Labcorp).

NM_001844.5(COL2A1):c.3491G>A (p.Gly1164Asp)

Gene: COL2A1 (collagen type II alpha 1 chain; minus strand). Cytogenetic location: 12q13.11.
Variant type: single nucleotide variant.
Coding change: c.3491G>A on transcript NM_001844.5 (MANE Select); coding-DNA position 3491, G replaced by A.
Protein change: p.Gly1164Asp; replaces glycine 1164 with aspartic acid.
Molecular consequence: missense variant.
Genome position (GRCh38, 1-based): chr12:47,976,069, C>T on the plus strand (G>A on the coding strand, the complement: COL2A1 is on the minus strand). VCF-style: chr12-47976069-C-T. GRCh37 (hg19) VCF-style: chr12-48369852-C-T.
Other names: c.3284G>A, p.Gly1095Asp (NM_033150.3); short protein forms G1095D, G1164D.
Identifiers: ClinVar variation 1333360 (VCV001333360.6), dbSNP rs1476546104, ClinGen allele CA384537457.